The following is an entry in ClinVar:

NM_205768.3(ZBTB18):c.1287_1288del (p.Cys430fs)

Gene: ZBTB18 (zinc finger and BTB domain containing 18; plus strand). Cytogenetic location: 1q44.
Variant type: Deletion.
Coding change: c.1287_1288del on transcript NM_205768.3 (MANE Select); coding-DNA positions 1287 to 1288, 2 bases deleted (TT; older notation c.1287_1288delTT).
Protein change: p.Cys430fs; shifts the reading frame from cysteine 430.
Molecular consequence: frameshift variant.
Genome position (GRCh38, 1-based): chr1:244,055,061-244,055,062, TT deleted. VCF-style (leftmost placement, unchanged base first): chr1-244055060-CTT-C. GRCh37 (hg19) VCF-style: chr1-244218362-CTT-C.
Other names: c.1260_1261del, p.Cys421fs (NM_001278196.2); c.1260_1261delTT, p.Cys421Hisfs (NM_006352.5); short protein forms C421fs, C430fs.
Identifiers: ClinVar variation 863649 (VCV000863649.10), dbSNP rs1698434416, ClinGen allele CA916082165.
Genomic context (GRCh38, chr1:244,055,060, plus strand): 5'-GCAGCAAGCCCGCCGCCGATGTCAACGTGCCCACGTGCTCGCTGTGTGGGAAGACTTTCT[CTT>C]GCATGTACACCCTCAAGCGCCACGAGAGGACTCACTCGGGGGAGAAGCCCTACACATGCA-3'

ClinVar aggregate classification (germline): Likely pathogenic (1 of 4 stars; one submission).

Submission:

Labcorp Genetics (formerly Invitae), Labcorp
Classification: Likely pathogenic. Last evaluated: 2020-04-01. Review status: criteria provided, single submitter. Criteria: Invitae Variant Classification Sherloc (09022015). Collection method: clinical testing. Allele origin: germline.
Comment: In summary, the currently available evidence indicates that the variant is pathogenic, but additional data are needed to prove that conclusively. Therefore, this variant has been classified as Likely Pathogenic. This variant has been observed in individual(s) with clinical features of ZBTB18-related intellectual disability (Invitae). In at least one individual the variant was observed to be de novo. This variant is not present in population databases (ExAC no frequency). This sequence change results in a premature translational stop signal in the ZBTB18 gene (p.Cys430Hisfs*70). While this is not anticipated to result in nonsense mediated decay, it is expected to disrupt the last 102 amino acids of the ZBTB18 protein.